The following is an entry in ClinVar:

NM_177986.5(DSG4):c.855G>A (p.Ser285=)

Genes: DSG1-AS1 (DSG1 antisense RNA 1; minus strand), DSG4 (desmoglein 4; plus strand). Cytogenetic location: 18q12.1.
Variant type: single nucleotide variant.
Coding change: c.855G>A on transcript NM_177986.5 (MANE Select); coding-DNA position 855, G replaced by A.
Protein change: p.Ser285=; no amino-acid change (serine 285 retained).
Molecular consequence: synonymous variant.
Genome position (GRCh38, 1-based): chr18:31,392,190, G>A. VCF-style: chr18-31392190-G-A. GRCh37 (hg19) VCF-style: chr18-28972153-G-A.
Other names: c.855G>A, p.Ser285= (NM_001134453.3).
Identifiers: ClinVar variation 326426 (VCV000326426.15), dbSNP rs35210710, ClinGen allele CA8926848.

ClinVar aggregate classification (germline): Benign/Likely benign. Review status: criteria provided, multiple submitters, no conflicts (2 of 4 stars). 4 submissions from 4 submitters: Benign (1); Likely benign (2). 1 of the submissions does not count toward it. Last evaluated 2025-10-10.

Conditions:
DSG4-related disorder. Also called: DSG4-related condition.
Hypotrichosis 6 (HYPT6). Also called: HYPOTRICHOSIS, LOCALIZED, AUTOSOMAL RECESSIVE 1; MONILETHRIX-LIKE HYPOTRICHOSIS. Identifiers: Orphanet 55654, MedGen C1842839, MONDO:0011932, OMIM 607903.

Allele frequency attached by ClinVar (database versions not stated): gnomAD exomes 0.00338; ExAC 0.00422; gnomAD 0.01279 and 0.01371; TOPMed 0.01418; ESP Exome Variant Server 0.01569; 1000 Genomes Project 0.01597; 1000 Genomes Project 30x 0.01733.
gnomAD v4.1: 3,752 of 1,613,584 alleles (0.23%); highest among the groups gnomAD compares: African/African-American, 4.6%; 93 homozygotes.

Submissions (4):

Labcorp Genetics (formerly Invitae), Labcorp
Classification: Benign. Last evaluated: 2025-10-10. Review status: criteria provided, single submitter. Criteria: Invitae Variant Classification Sherloc (09022015). Collection method: clinical testing. Allele origin: germline.

Illumina Laboratory Services, Illumina
Classification: Likely benign for Hypotrichosis 6. Last evaluated: 2018-01-12. Review status: criteria provided, single submitter. Criteria: ICSL Variant Classification Criteria 13 December 2019. Collection method: clinical testing. Allele origin: germline.
Comment: This variant was observed in the ICSL laboratory as part of a predisposition screen in an ostensibly healthy population. It had not been previously curated by ICSL or reported in the Human Gene Mutation Database (HGMD: prior to June 1st, 2018), and was therefore a candidate for classification through an automated scoring system. Utilizing variant allele frequency, disease prevalence and penetrance estimates, and inheritance mode, an automated score was calculated to assess if this variant is too frequent to cause the disease. Based on the score and internal cut-off values, a variant classified as likely benign is not then subjected to further curation. The score for this variant resulted in a classification of likely benign for this disease.

Breakthrough Genomics
Classification: Likely benign. Review status: criteria provided, single submitter. Criteria: ACMG Guidelines, 2015. Collection method: not provided. Allele origin: germline. Inheritance: Autosomal recessive inheritance. Affected: yes.

PreventionGenetics, part of Exact Sciences
Classification: Benign for DSG4-related condition. Last evaluated: 2019-02-19. Review status: no assertion criteria provided. Collection method: clinical testing. Allele origin: germline. Not counted in ClinVar's aggregate classification.
Comment: This variant is classified as benign based on ACMG/AMP sequence variant interpretation guidelines (Richards et al. 2015 PMID: 25741868, with internal and published modifications).